The following is an entry in ClinVar:

ClinVar aggregate classification (germline): Likely benign. Review status: criteria provided, multiple submitters, no conflicts (2 of 4 stars). 4 submissions from 4 submitters: Likely benign (4). Last evaluated 2026-01-25.

Conditions:
Cardiovascular phenotype. Identifiers: MedGen CN230736.
Dilated cardiomyopathy 1DD (CMD1DD). Identifiers: Orphanet 154, MedGen C2750995, MONDO:0013168, OMIM 613172.

Allele frequency attached by ClinVar (database versions not stated): TOPMed 0.00001; gnomAD 0.00003.
gnomAD v4.1: 75 of 1,548,106 alleles (0.0048%); highest among the groups gnomAD compares: Non-Finnish European, 0.0061%; no homozygotes.

Submissions (4):

Labcorp Genetics (formerly Invitae), Labcorp
Classification: Likely benign for Dilated cardiomyopathy 1DD. Last evaluated: 2026-01-25. Review status: criteria provided, single submitter. Criteria: Invitae Variant Classification Sherloc (09022015). Collection method: clinical testing. Allele origin: germline.

Ambry Genetics
Classification: Likely benign for Cardiovascular phenotype. Last evaluated: 2023-09-01. Review status: criteria provided, single submitter. Criteria: Ambry Variant Classification Scheme 2023. Collection method: clinical testing. Allele origin: germline.

Blueprint Genetics
Classification: Likely benign. Last evaluated: 2022-06-22. Review status: criteria provided, single submitter. Criteria: ACMG Guidelines, 2015. Collection method: clinical testing. Allele origin: germline.

Laboratory for Molecular Medicine, Mass General Brigham Personalized Medicine
Classification: Likely benign. Last evaluated: 2012-03-22. Review status: criteria provided, single submitter. Criteria: LMM Criteria. Collection method: clinical testing. Allele origin: germline. Observed: 1 variant allele.
Comment: Pro352Pro in exon 2 of RBM20: This variant is not expected to have clinical sign ificance because it does not alter an amino acid residue and it is not located w ithin the splice consensus sequence. Pro352Pro in exon 2 of RBM20 (allele freq uency = n/a)

NM_001134363.3(RBM20):c.1056C>G (p.Pro352=)

Gene: RBM20 (RNA binding motif protein 20; plus strand). Cytogenetic location: 10q25.2.
Variant type: single nucleotide variant.
Coding change: c.1056C>G on transcript NM_001134363.3 (MANE Select); coding-DNA position 1056, C replaced by G.
Protein change: p.Pro352=; no amino-acid change (proline 352 retained).
Molecular consequence: synonymous variant.
Genome position (GRCh38, 1-based): chr10:110,781,665, C>G. VCF-style: chr10-110781665-C-G. GRCh37 (hg19) VCF-style: chr10-112541423-C-G.
Identifiers: ClinVar variation 43964 (VCV000043964.16), dbSNP rs397516590, ClinGen allele CA133248.